The following is an entry in ClinVar:

NM_006859.4(LIAS):c.748G>A (p.Asp250Asn)

Gene: LIAS (lipoic acid synthetase; plus strand). Cytogenetic location: 4p14.
Variant type: single nucleotide variant.
Coding change: c.748G>A on transcript NM_006859.4 (MANE Select); coding-DNA position 748, G replaced by A.
Protein change: p.Asp250Asn; replaces aspartic acid 250 with asparagine.
Molecular consequence: missense variant.
Genome position (GRCh38, 1-based): chr4:39,470,029, G>A. VCF-style: chr4-39470029-G-A. GRCh37 (hg19) VCF-style: chr4-39471649-G-A.
Other names: c.619G>A, p.Asp207Asn (NM_001278590.2); c.439G>A, p.Asp147Asn (NM_001363700.2); c.748G>A, p.Asp250Asn (NM_194451.3); short protein forms D207N, D250N, D147N.
Identifiers: ClinVar variation 2091534 (VCV002091534.1), dbSNP rs1406165999, ClinGen allele CA356665144.
Genomic context (GRCh38, chr4:39,470,029, plus strand): 5'-ACTTGGTTGAACTTGTAATTCTTGCTGACAACAGTCCTGCTGTTTTCCAGTAAGGTTCGT[G>A]ATCCTCGGGCCAATTTTGATCAGTCCCTACGTGTACTGAAACATGCCAAGAAGGTTCAGC-3'
Protein context (NP_006850.2, residues 240-260): TVPELQSKVR[Asp250Asn]PRANFDQSLR

ClinVar aggregate classification (germline): Uncertain significance (1 of 4 stars; one submission).

Conditions:
Lipoic acid synthetase deficiency. Also called: HYPERGLYCINEMIA, LACTIC ACIDOSIS, AND SEIZURES. Identifiers: Orphanet 401859, MedGen C3280887, MONDO:0013762, OMIM 614462.

Allele frequency attached by ClinVar (database versions not stated): gnomAD 0.00001; gnomAD exomes 0.00001; TOPMed 0.00001.

Submission:

Labcorp Genetics (formerly Invitae), Labcorp
Classification: Uncertain significance for Lipoic acid synthetase deficiency. Last evaluated: 2022-08-06. Review status: criteria provided, single submitter. Criteria: Invitae Variant Classification Sherloc (09022015). Collection method: clinical testing. Allele origin: germline.
Comment: This sequence change replaces aspartic acid, which is acidic and polar, with asparagine, which is neutral and polar, at codon 250 of the LIAS protein (p.Asp250Asn). This variant is present in population databases (no rsID available, gnomAD 0.0009%). This variant has not been reported in the literature in individuals affected with LIAS-related conditions. Algorithms developed to predict the effect of missense changes on protein structure and function are either unavailable or do not agree on the potential impact of this missense change (SIFT: "Deleterious"; PolyPhen-2: "Probably Damaging"; Align-GVGD: "Class C15"). In summary, the available evidence is currently insufficient to determine the role of this variant in disease. Therefore, it has been classified as a Variant of Uncertain Significance.